The following is an entry in ClinVar:

NM_003722.5(TP63):c.1459C>T (p.Arg487Cys)

Gene: TP63 (tumor protein p63; plus strand). Cytogenetic location: 3q28.
Variant type: single nucleotide variant.
Coding change: c.1459C>T on transcript NM_003722.5 (MANE Select); coding-DNA position 1459, C replaced by T.
Protein change: p.Arg487Cys; replaces arginine 487 with cysteine.
Molecular consequence: missense variant.
Genome position (GRCh38, 1-based): chr3:189,886,503, C>T. VCF-style: chr3-189886503-C-T. GRCh37 (hg19) VCF-style: chr3-189604292-C-T.
Other names: c.1459C>T (NM_003722.4); c.1459C>T, p.Arg487Cys (NM_001114978.2, NM_001329144.2); c.1177C>T, p.Arg393Cys (NM_001114980.2, NM_001114981.2, NM_001329145.2); c.922C>T, p.Arg308Cys (NM_001329146.2); c.1447C>T, p.Arg483Cys (NM_001329148.2); c.1165C>T, p.Arg389Cys (NM_001329149.2); c.910C>T, p.Arg304Cys (NM_001329150.2); c.1453C>T, p.Arg485Cys (NM_001329964.2); short protein forms R304C, R308C, R389C, R393C, R483C, R485C, R487C.
Identifiers: ClinVar variation 1564239 (VCV001564239.8), dbSNP rs777306829, ClinGen allele CA2752484.

ClinVar aggregate classification (germline): Conflicting classifications of pathogenicity. Review status: criteria provided, conflicting classifications (1 of 4 stars). 3 submissions from 3 submitters: Uncertain significance (1); Likely benign (2). Last evaluated 2024-11-19.

Conditions:
TP63-related disorder. Also called: TP63-related condition; TP63-Related Disorders. Identifiers: MedGen CN380159.
TP63-Related Spectrum Disorders.

Allele frequency attached by ClinVar (database versions not stated): TOPMed 0.00007; gnomAD 0.00009; gnomAD exomes 0.00011; ExAC 0.00014.
gnomAD v4.1: 166 of 1,614,080 alleles (0.01%); highest among the groups gnomAD compares: Middle Eastern, 0.049%; 1 homozygote.

Submissions (3):

Labcorp Genetics (formerly Invitae), Labcorp
Classification: Likely benign. Last evaluated: 2024-11-19. Review status: criteria provided, single submitter. Criteria: Invitae Variant Classification Sherloc (09022015). Collection method: clinical testing. Allele origin: germline.

PreventionGenetics, part of Exact Sciences
Classification: Uncertain significance for TP63-related condition. Last evaluated: 2023-09-18. Review status: criteria provided, single submitter. Criteria: ACMG Guidelines, 2015. Collection method: clinical testing. Allele origin: germline.
Comment: The TP63 c.1459C>T variant is predicted to result in the amino acid substitution p.Arg487Cys. This variant has been reported in at least three individuals with phenotypes including cleft lip/palate (Khandelwal et al. 2019. PubMed ID: 30850703), ectrodactyly-ectodermal dysplasia cleft lip/palate (EEC) syndrome type 3 (Sodero et al. 2023. PubMed ID: 37182847), and pediatric acute lymphoblastic leukemia (ALL) (Kim et al. 2021. PubMed ID: 34308104); however, no functional studies of this variant have been performed to evaluate pathogenicity. In two of the individuals, the c.1459C>T p.Arg487Cys variant was inherited from an unaffected parent (Table 2, Khandelwal et al. 2019. PubMed ID: 30850703; Sodero et al. 2023. PubMed ID: 37182847). This variant is reported in 0.018% of alleles (including 23 heterozygotes and 1 homozygote) in individuals of European (Non-Finnish) descent in gnomAD. Although we suspect that this variant may be benign, at this time, the clinical significance of this variant is uncertain due to the absence of conclusive functional and genetic evidence.

Breakthrough Genomics
Classification: Likely benign. Review status: criteria provided, single submitter. Criteria: ACMG Guidelines, 2015. Collection method: not provided. Allele origin: germline. Inheritance: Autosomal dominant inheritance. Affected: yes.